The following is an entry in ClinVar:

NM_024312.5(GNPTAB):c.324-2A>G

Gene: GNPTAB (N-acetylglucosamine-1-phosphate transferase subunits alpha and beta; minus strand). Cytogenetic location: 12q23.2.
Variant type: single nucleotide variant.
Coding change: c.324-2A>G on transcript NM_024312.5 (MANE Select); the canonical splice acceptor site of the intron before coding-DNA position 324, A replaced by G.
Molecular consequence: splice acceptor variant.
Genome position (GRCh38, 1-based): chr12:101,788,591, T>C on the plus strand (A>G on the coding strand, the complement: GNPTAB is on the minus strand). VCF-style: chr12-101788591-T-C. GRCh37 (hg19) VCF-style: chr12-102182369-T-C.
Identifiers: ClinVar variation 2445825 (VCV002445825.4), dbSNP rs1364784378, ClinGen allele CA386305319.

ClinVar aggregate classification (germline): Likely pathogenic. Review status: criteria provided, multiple submitters, no conflicts (2 of 4 stars). 2 submissions from 2 submitters: Likely pathogenic (2). Last evaluated 2023-02-14.

Conditions:
Mucolipidosis type II. Also called: ML II ALPHA/BETA; Mucolipidosis 2; ML 2; Inclusion cell disease; Leroy Disease; N-acetylglucosamine 1phosphotransferase deficiency. Identifiers: Orphanet 576, MedGen C2673377, MONDO:0009650, OMIM 252500.
Pseudo-Hurler polydystrophy. Also called: ML III; ML III ALPHA/BETA; Type III Mucolipidosis; ML IIIA; Mucolipidosis III Alpha/Beta; MUCOLIPIDOSIS IIIA. Identifiers: Orphanet 423461, Orphanet 577, MedGen C0033788, MONDO:0018931, OMIM 252600.
Mucolipidosis. Also called: Mucolipidoses. Identifiers: Orphanet 79212, MedGen C0026697, MONDO:0019248.

Allele frequency attached by ClinVar (database versions not stated): gnomAD 0.00001; TOPMed 0.00001.
gnomAD v4.1: 4 of 1,519,568 alleles (0.00026%); highest among the groups gnomAD compares: Non-Finnish European, 0.00037%; no homozygotes.

Submissions (2):

Labcorp Genetics (formerly Invitae), Labcorp
Classification: Likely pathogenic for Pseudo-Hurler polydystrophy; Mucolipidosis type II. Last evaluated: 2023-02-14. Review status: criteria provided, single submitter. Criteria: Invitae Variant Classification Sherloc (09022015). Collection method: clinical testing. Allele origin: germline.
Comment: This sequence change affects an acceptor splice site in intron 3 of the GNPTAB gene. It is expected to disrupt RNA splicing. Variants that disrupt the donor or acceptor splice site typically lead to a loss of protein function (PMID: 16199547), and loss-of-function variants in GNPTAB are known to be pathogenic (PMID: 19617216, 25107912). This variant is present in population databases (no rsID available, gnomAD 0.007%). This variant has not been reported in the literature in individuals affected with GNPTAB-related conditions. Algorithms developed to predict the effect of sequence changes on RNA splicing suggest that this variant may disrupt the consensus splice site. In summary, the currently available evidence indicates that the variant is pathogenic, but additional data are needed to prove that conclusively. Therefore, this variant has been classified as Likely Pathogenic.

Women's Health and Genetics/Laboratory Corporation of America, LabCorp
Classification: Likely pathogenic for Mucolipidosis. Last evaluated: 2023-02-13. Review status: criteria provided, single submitter. Criteria: LabCorp Variant Classification Summary - May 2015. Collection method: clinical testing. Allele origin: germline.
Comment: Variant summary: GNPTAB c.324-2A>G is located in a canonical splice-site and is predicted to affect mRNA splicing resulting in a significantly altered protein due to either exon skipping, shortening, or inclusion of intronic material. The variant was absent in 250832 control chromosomes. To our knowledge, no occurrence of c.324-2A>G in individuals affected with Mucolipidosis and no experimental evidence demonstrating its impact on protein function have been reported. No clinical diagnostic laboratories have submitted clinical-significance assessments for this variant to ClinVar after 2014. Based on the evidence outlined above, the variant was classified as likely pathogenic.

Literature cited by the submitters: PubMed 16199547 (cited by Labcorp Genetics (formerly Invitae), Labcorp); PubMed 19617216 (cited by Labcorp Genetics (formerly Invitae), Labcorp); PubMed 25107912 (cited by Labcorp Genetics (formerly Invitae), Labcorp).